The following is an entry in ClinVar:

ClinVar aggregate classification (germline): Uncertain significance (1 of 4 stars; one submission).

Conditions:
Inborn genetic diseases. Identifiers: MedGen C0950123, MeSH D030342.

Allele frequency attached by ClinVar (database versions not stated): gnomAD exomes below 0.00001.
gnomAD v4.1: 1 of 1,211,300 alleles (0.000083%); highest among the groups gnomAD compares: Admixed American, 0.0022%; no homozygotes.

Submission:

Ambry Genetics
Classification: Uncertain significance for Inborn genetic diseases. Last evaluated: 2022-06-21. Review status: criteria provided, single submitter. Criteria: Ambry Variant Classification Scheme 2023. Collection method: clinical testing. Allele origin: germline.
Comment: The p.F857L variant (also known as c.2571T>G), located in coding exon 21 of the UBA1 gene, results from a T to G substitution at nucleotide position 2571. The phenylalanine at codon 857 is replaced by leucine, an amino acid with highly similar properties. This amino acid position is conserved. In addition, this alteration is predicted to be tolerated by in silico analysis. Since supporting evidence is limited at this time, the clinical significance of this alteration remains unclear.

NM_003334.4(UBA1):c.2571T>G (p.Phe857Leu)

Gene: UBA1 (ubiquitin like modifier activating enzyme 1; plus strand). Cytogenetic location: Xp11.3.
Variant type: single nucleotide variant.
Coding change: c.2571T>G on transcript NM_003334.4 (MANE Select); coding-DNA position 2571, T replaced by G.
Protein change: p.Phe857Leu; replaces phenylalanine 857 with leucine.
Molecular consequence: missense variant.
Genome position (GRCh38, 1-based): chrX:47,212,788, T>G. VCF-style: chrX-47212788-T-G. GRCh37 (hg19) VCF-style: chrX-47072187-T-G.
Other names: c.2571T>G, p.Phe857Leu (NM_153280.3); short protein forms F857L.
Identifiers: ClinVar variation 1793254 (VCV001793254.2), dbSNP rs1556793878, ClinGen allele CA412809800.